The following is an entry in ClinVar:

ClinVar aggregate classification (germline): Uncertain significance. Review status: criteria provided, multiple submitters, no conflicts (2 of 4 stars). 2 submissions from 2 submitters: Uncertain significance (2). Last evaluated 2025-10-25.

Conditions:
Inborn genetic diseases. Identifiers: MedGen C0950123, MeSH D030342.

gnomAD v4.1: 5 of 1,611,862 alleles (0.00031%); highest among the groups gnomAD compares: Non-Finnish European, 0.00042%; no homozygotes.

Submissions (2):

Ambry Genetics
Classification: Uncertain significance for Inborn genetic diseases. Last evaluated: 2025-10-25. Review status: criteria provided, single submitter. Criteria: Ambry Variant Classification Scheme 2023. Collection method: clinical testing. Allele origin: germline.
Comment: The p.P30A variant (also known as c.88C>G), located in coding exon 1 of the ANKRD26 gene, results from a C to G substitution at nucleotide position 88. The proline at codon 30 is replaced by alanine, an amino acid with highly similar properties. This amino acid position is conserved. In addition, this alteration is predicted to be tolerated by in silico analysis. Based on the available evidence, the clinical significance of this variant remains unclear.

Labcorp Genetics (formerly Invitae), Labcorp
Classification: Uncertain significance. Last evaluated: 2024-04-17. Review status: criteria provided, single submitter. Criteria: Invitae Variant Classification Sherloc (09022015). Collection method: clinical testing. Allele origin: germline.
Comment: This sequence change replaces proline, which is neutral and non-polar, with alanine, which is neutral and non-polar, at codon 30 of the ANKRD26 protein (p.Pro30Ala). This variant is present in population databases (rs747929058, gnomAD 0.002%). This variant has not been reported in the literature in individuals affected with ANKRD26-related conditions. Algorithms developed to predict the effect of missense changes on protein structure and function output the following: SIFT: "Not Available"; PolyPhen-2: "Benign"; Align-GVGD: "Not Available". The alanine amino acid residue is found in multiple mammalian species, which suggests that this missense change does not adversely affect protein function. In summary, the available evidence is currently insufficient to determine the role of this variant in disease. Therefore, it has been classified as a Variant of Uncertain Significance.

NM_014915.3(ANKRD26):c.88C>G (p.Pro30Ala)

Genes: ANKRD26 (ankyrin repeat domain 26; minus strand), LOC130003554 (ATAC-STARR-seq lymphoblastoid silent region 2243; plus strand). Cytogenetic location: 10p12.1.
Variant type: single nucleotide variant.
Coding change: c.88C>G on transcript NM_014915.3 (MANE Select); coding-DNA position 88, C replaced by G.
Protein change: p.Pro30Ala; replaces proline 30 with alanine.
Molecular consequence: missense variant.
Genome position (GRCh38, 1-based): chr10:27,100,239, G>C on the plus strand (C>G on the coding strand, the complement: ANKRD26 is on the minus strand). VCF-style: chr10-27100239-G-C. GRCh37 (hg19) VCF-style: chr10-27389168-G-C.
Other names: c.88C>G, p.Pro30Ala (NM_001256053.2); short protein forms P30A.
Identifiers: ClinVar variation 3716130 (VCV003716130.3).